The following is an entry in ClinVar:

NM_001267550.2(TTN):c.2244G>A (p.Glu748=)

Gene: TTN (titin; minus strand). Cytogenetic location: 2q31.2.
Variant type: single nucleotide variant.
Coding change: c.2244G>A on transcript NM_001267550.2 (MANE Select); coding-DNA position 2244, G replaced by A.
Protein change: p.Glu748=; no amino-acid change (glutamic acid 748 retained).
Molecular consequence: synonymous variant.
Genome position (GRCh38, 1-based): chr2:178,785,974, C>T on the plus strand (G>A on the coding strand, the complement: TTN is on the minus strand). VCF-style: chr2-178785974-C-T. GRCh37 (hg19) VCF-style: chr2-179650701-C-T.
Other names: p.E748E:GAG>GAA; p.Glu748=; c.2106G>A, p.Glu702= (NM_003319.4, NM_133432.3, NM_133437.4); c.2244G>A, p.Glu748= (NM_133379.5, NM_001256850.1, NM_133378.4).
Identifiers: ClinVar variation 46774 (VCV000046774.38), dbSNP rs6715406, ClinGen allele CA282965.
Genomic context (GRCh38, chr2:178,785,974, plus strand): 5'-TACTCTAGGCTTGACTGCTTTAGGGACAACGTGGGGTTCTGAGGCTGGACGTTGGGGAGG[C>T]TCAGCTACCTTTGCGGCGGAAATGCGTTCCTTATATCCGTACTCCAAAGTGGTCTGCTGA-3'
Protein context (NP_001254479.2, residues 738-758): KERISAAKVA[Glu748=]PPQRPASEPH

ClinVar aggregate classification (germline): Benign. Review status: criteria provided, multiple submitters, no conflicts (2 of 4 stars). 24 submissions from 17 submitters: Benign (21). 3 of the submissions do not count toward it. Last evaluated 2026-02-04.

Conditions:
Cardiovascular phenotype. Identifiers: MedGen CN230736.
Autosomal recessive limb-girdle muscular dystrophy type 2J (LGMDR10). Also called: Limb-girdle muscular dystrophy, type 2J; MUSCULAR DYSTROPHY, LIMB-GIRDLE, AUTOSOMAL RECESSIVE 10. Identifiers: Orphanet 140922, MedGen C1837342, MONDO:0012127, OMIM 608807.
Dilated cardiomyopathy 1G (CMD1G). Identifiers: Orphanet 154, MedGen C1858763, MONDO:0011400, OMIM 604145.
Early-onset myopathy with fatal cardiomyopathy (CMYO5). Also called: Salih Myopathy; CONGENITAL MYOPATHY 5 WITH CARDIOMYOPATHY. Identifiers: Orphanet 289377, MedGen C2673677, MONDO:0012714, OMIM 611705. Disease mechanism: loss of function.
Myopathy, myofibrillar, 9, with early respiratory failure (MFM9). Also called: Hereditary myopathy with early respiratory failure; EDSTROM MYOPATHY; MYOPATHY, PROXIMAL, WITH EARLY RESPIRATORY MUSCLE INVOLVEMENT; Myopathy, distal, with early respiratory failure, autosomal dominant. Identifiers: Orphanet 178464, Orphanet 34521, MedGen C1863599, MONDO:0011362, OMIM 603689.
Tibial muscular dystrophy (TMD). Also called: UDD MYOPATHY; Udd Distal Myopathy – Tibial Muscular Dystrophy; Tibial muscular dystrophy, tardive. Identifiers: Orphanet 609, MedGen C1838244, MONDO:0010870, OMIM 600334.

Allele frequency attached by ClinVar (database versions not stated): 1000 Genomes Project 0.20467; 1000 Genomes Project 30x 0.20721; TOPMed 0.29404; gnomAD exomes 0.31621 and 0.37542; gnomAD 0.31871 and 0.32532; ExAC 0.31921; ESP Exome Variant Server 0.33600.
gnomAD v4.1: 595,688 of 1,613,814 alleles (37%); highest among the groups gnomAD compares: Non-Finnish European, 41%; 116,401 homozygotes.

Submissions (24):

Labcorp Genetics (formerly Invitae), Labcorp
Classification: Benign for Dilated cardiomyopathy 1G; Autosomal recessive limb-girdle muscular dystrophy type 2J. Last evaluated: 2026-02-04. Review status: criteria provided, single submitter. Criteria: Invitae Variant Classification Sherloc (09022015). Collection method: clinical testing. Allele origin: germline.

Molecular Diagnostic Laboratory for Inherited Cardiovascular Disease, Montreal Heart Institute
Classification: Benign. Last evaluated: 2025-04-09. Review status: criteria provided, single submitter. Criteria: ACMG Guidelines, 2015. Collection method: clinical testing. Allele origin: germline. Affected: no.

Blueprint Genetics
Classification: Benign. Last evaluated: 2024-11-26. Review status: criteria provided, single submitter. Criteria: ACMG Guidelines, 2015. Collection method: clinical testing. Allele origin: germline.

Genome-Nilou Lab
Classification: Benign for Autosomal recessive limb-girdle muscular dystrophy type 2J. Last evaluated: 2021-09-10. Review status: criteria provided, single submitter. Criteria: ACMG Guidelines, 2015. Collection method: clinical testing. Allele origin: germline. Affected: no.

Genome-Nilou Lab
Classification: Benign for Myopathy, myofibrillar, 9, with early respiratory failure. Last evaluated: 2021-09-10. Review status: criteria provided, single submitter. Criteria: ACMG Guidelines, 2015. Collection method: clinical testing. Allele origin: germline. Affected: no.

Genome-Nilou Lab
Classification: Benign for Early-onset myopathy with fatal cardiomyopathy. Last evaluated: 2021-09-10. Review status: criteria provided, single submitter. Criteria: ACMG Guidelines, 2015. Collection method: clinical testing. Allele origin: germline. Affected: no.

Genome-Nilou Lab
Classification: Benign for Tibial muscular dystrophy. Last evaluated: 2021-09-10. Review status: criteria provided, single submitter. Criteria: ACMG Guidelines, 2015. Collection method: clinical testing. Allele origin: germline. Affected: no.

Women's Health and Genetics/Laboratory Corporation of America, LabCorp
Classification: Benign. Last evaluated: 2019-08-09. Review status: criteria provided, single submitter. Criteria: LabCorp Variant Classification Summary - May 2015. Collection method: clinical testing. Allele origin: germline.

Ambry Genetics
Classification: Benign for Cardiovascular phenotype. Last evaluated: 2019-02-07. Review status: criteria provided, single submitter. Criteria: Ambry Autosomal Dominant and X-Linked criteria (3/2017). Collection method: clinical testing. Allele origin: germline. Observed: 1 variant allele.

Athena Diagnostics
Classification: Benign. Last evaluated: 2018-11-02. Review status: criteria provided, single submitter. Criteria: Athena Diagnostics Criteria. Collection method: clinical testing. Allele origin: germline.

Illumina Laboratory Services, Illumina
Classification: Benign for Tibial muscular dystrophy. Last evaluated: 2018-01-12. Review status: criteria provided, single submitter. Criteria: ICSL Variant Classification Criteria 13 December 2019. Collection method: clinical testing. Allele origin: germline.
Comment: This variant was observed in the ICSL laboratory as part of a predisposition screen in an ostensibly healthy population. It had not been previously curated by ICSL or reported in the Human Gene Mutation Database (HGMD: prior to June 1st, 2018), and was therefore a candidate for classification through an automated scoring system. Utilizing variant allele frequency, disease prevalence and penetrance estimates, and inheritance mode, an automated score was calculated to assess if this variant is too frequent to cause the disease. Based on the score and internal cut-off values, a variant classified as benign is not then subjected to further curation. The score for this variant resulted in a classification of benign for this disease.

Illumina Laboratory Services, Illumina
Classification: Benign for Early-onset myopathy with fatal cardiomyopathy. Last evaluated: 2018-01-12. Review status: criteria provided, single submitter. Criteria: ICSL Variant Classification Criteria 13 December 2019. Collection method: clinical testing. Allele origin: germline.
Comment: the same text as in the submission from Illumina Laboratory Services, Illumina above.

Illumina Laboratory Services, Illumina
Classification: Benign for Autosomal recessive limb-girdle muscular dystrophy type 2J. Last evaluated: 2018-01-12. Review status: criteria provided, single submitter. Criteria: ICSL Variant Classification Criteria 13 December 2019. Collection method: clinical testing. Allele origin: germline.
Comment: the same text as in the submission from Illumina Laboratory Services, Illumina above.

Illumina Laboratory Services, Illumina
Classification: Benign for Myopathy, myofibrillar, 9, with early respiratory failure. Last evaluated: 2018-01-12. Review status: criteria provided, single submitter. Criteria: ICSL Variant Classification Criteria 13 December 2019. Collection method: clinical testing. Allele origin: germline.
Comment: the same text as in the submission from Illumina Laboratory Services, Illumina above.

Illumina Laboratory Services, Illumina
Classification: Benign for Dilated cardiomyopathy 1G. Last evaluated: 2018-01-12. Review status: criteria provided, single submitter. Criteria: ICSL Variant Classification Criteria 13 December 2019. Collection method: clinical testing. Allele origin: germline.
Comment: the same text as in the submission from Illumina Laboratory Services, Illumina above.

Mayo Clinic Laboratories, Mayo Clinic
Classification: Benign. Last evaluated: 2017-07-24. Review status: criteria provided, single submitter. Criteria: ACMG Guidelines, 2015. Collection method: clinical testing. Allele origin: germline. Observed: 1,352 variant alleles.

Genetic Services Laboratory, University of Chicago
Classification: Benign for AllHighlyPenetrant. Last evaluated: 2013-08-15. Review status: criteria provided, single submitter. Criteria: ACMG Guidelines, 2007. Collection method: clinical testing. Allele origin: germline.

GeneDx
Classification: Benign. Last evaluated: 2012-10-30. Review status: criteria provided, single submitter. Criteria: GeneDx Variant Classification (06012015). Collection method: clinical testing. Allele origin: germline. Affected: yes.
Comment: This variant is considered likely benign or benign based on one or more of the following criteria: it is a conservative change, it occurs at a poorly conserved position in the protein, it is predicted to be benign by multiple in silico algorithms, and/or has population frequency not consistent with disease.

Laboratory for Molecular Medicine, Mass General Brigham Personalized Medicine
Classification: Benign. Last evaluated: 2011-09-16. Review status: criteria provided, single submitter. Criteria: LMM Criteria. Collection method: clinical testing. Allele origin: germline. Observed: 1,037 variant alleles.

Breakthrough Genomics
Classification: Benign. Review status: criteria provided, single submitter. Criteria: ACMG Guidelines, 2015. Collection method: not provided. Allele origin: germline. Inheritance: Autosomal recessive inheritance. Affected: yes.

PreventionGenetics, part of Exact Sciences
Classification: Benign. Review status: criteria provided, single submitter. Criteria: ACMG Guidelines, 2015. Collection method: clinical testing. Allele origin: germline.

Clinical Genetics DNA and cytogenetics Diagnostics Lab, Erasmus MC, Erasmus Medical Center
Classification: Benign. Review status: no assertion criteria provided. Collection method: clinical testing. Allele origin: germline. Affected: yes. Study: VKGL Data-share Consensus. Not counted in ClinVar's aggregate classification.

Clinical Genetics, Academic Medical Center
Classification: Benign. Review status: no assertion criteria provided. Collection method: clinical testing. Allele origin: germline. Affected: yes. Study: VKGL Data-share Consensus. Not counted in ClinVar's aggregate classification.

Diagnostic Laboratory, Department of Genetics, University Medical Center Groningen
Classification: Benign. Review status: no assertion criteria provided. Collection method: clinical testing. Allele origin: germline. Affected: yes. Study: VKGL Data-share Consensus. Not counted in ClinVar's aggregate classification.